The following is an entry in ClinVar:

ClinVar aggregate classification (germline): Uncertain significance (1 of 4 stars; one submission).

gnomAD v4.1: 1 of 1,614,084 alleles (0.000062%); highest among the groups gnomAD compares: Non-Finnish European, 0.000085%; no homozygotes.

Submission:

GeneDx
Classification: Uncertain significance. Last evaluated: 2025-02-04. Review status: criteria provided, single submitter. Criteria: GeneDx Variant Classification Process June 2021. Collection method: clinical testing. Allele origin: germline. Affected: yes.
Comment: Not observed at significant frequency in large population cohorts (gnomAD); In silico analysis indicates that this missense variant does not alter protein structure/function; Has not been previously published as pathogenic or benign to our knowledge

NM_004370.6(COL12A1):c.2480C>A (p.Thr827Lys)

Gene: COL12A1 (collagen type XII alpha 1 chain; minus strand). Cytogenetic location: 6q13.
Variant type: single nucleotide variant.
Coding change: c.2480C>A on transcript NM_004370.6 (MANE Select); coding-DNA position 2480, C replaced by A.
Protein change: p.Thr827Lys; replaces threonine 827 with lysine.
Molecular consequence: missense variant. On other transcripts: intron variant (3).
Genome position (GRCh38, 1-based): chr6:75,175,268, G>T on the plus strand (C>A on the coding strand, the complement: COL12A1 is on the minus strand). VCF-style: chr6-75175268-G-T. GRCh37 (hg19) VCF-style: chr6-75884984-G-T.
Other names: c.74-22786C>A (NM_001424116.1, NM_080645.3); c.2437+2395C>A (NM_001424115.1); c.2480C>A, p.Thr827Lys (NM_001424113.1, NM_001424114.1); short protein forms T827K.
Identifiers: ClinVar variation 4072816 (VCV004072816.1).